The following is an entry in ClinVar:

ClinVar aggregate classification (germline): Benign/Likely benign. Review status: criteria provided, multiple submitters, no conflicts (2 of 4 stars). 8 submissions from 6 submitters: Benign (7); Likely benign (1). Last evaluated 2026-02-04.

Conditions:
Schwartz-Jampel syndrome. Also called: Myotonic myopathy dwarfism chondrodystrophy and ocular and facial abnormalities. Identifiers: Orphanet 800, MedGen C0036391, MONDO:0009717.
Schwartz-Jampel syndrome type 1 (SJS1). Also called: MYOTONIC MYOPATHY, DWARFISM, CHONDRODYSTROPHY, AND OCULAR AND FACIAL ABNORMALITIES; CHONDRODYSTROPHIC MYOTONIA. Identifiers: MedGen C4551479, MONDO:0100435, OMIM 255800.
Lethal Kniest-like syndrome (DDSH). Also called: Dyssegmental Dysplasia. Identifiers: Orphanet 1865, MedGen C1857100, MONDO:0009140, OMIM 224410.

Allele frequency attached by ClinVar (database versions not stated): 1000 Genomes Project 0.03095; 1000 Genomes Project 30x 0.03123; TOPMed 0.05253; gnomAD 0.05675 and 0.05882; ESP Exome Variant Server 0.05791; gnomAD exomes 0.05803 and 0.07095; ExAC 0.06733.

Submissions (8):

Labcorp Genetics (formerly Invitae), Labcorp
Classification: Benign. Last evaluated: 2026-02-04. Review status: criteria provided, single submitter. Criteria: Invitae Variant Classification Sherloc (09022015). Collection method: clinical testing. Allele origin: germline.

Blueprint Genetics
Classification: Likely benign. Last evaluated: 2024-11-26. Review status: criteria provided, single submitter. Criteria: ACMG Guidelines, 2015. Collection method: clinical testing. Allele origin: germline.

Genome-Nilou Lab
Classification: Benign for Lethal Kniest-like syndrome. Last evaluated: 2023-04-11. Review status: criteria provided, single submitter. Criteria: ACMG Guidelines, 2015. Collection method: clinical testing. Allele origin: germline. Affected: no.

Genome-Nilou Lab
Classification: Benign for Schwartz-Jampel syndrome type 1. Last evaluated: 2023-04-11. Review status: criteria provided, single submitter. Criteria: ACMG Guidelines, 2015. Collection method: clinical testing. Allele origin: germline. Affected: no.

GeneDx
Classification: Benign. Last evaluated: 2018-08-19. Review status: criteria provided, single submitter. Criteria: GeneDx Variant Classification Process June 2021. Collection method: clinical testing. Allele origin: germline. Affected: yes.

Illumina Laboratory Services, Illumina
Classification: Benign for Schwartz-Jampel syndrome type 1. Last evaluated: 2018-01-13. Review status: criteria provided, single submitter. Criteria: ICSL Variant Classification Criteria 13 December 2019. Collection method: clinical testing. Allele origin: germline.
Comment: This variant was observed in the ICSL laboratory as part of a predisposition screen in an ostensibly healthy population. It had not been previously curated by ICSL or reported in the Human Gene Mutation Database (HGMD: prior to June 1st, 2018), and was therefore a candidate for classification through an automated scoring system. Utilizing variant allele frequency, disease prevalence and penetrance estimates, and inheritance mode, an automated score was calculated to assess if this variant is too frequent to cause the disease. Based on the score and internal cut-off values, a variant classified as benign is not then subjected to further curation. The score for this variant resulted in a classification of benign for this disease.

Illumina Laboratory Services, Illumina
Classification: Benign for Lethal Kniest-like syndrome. Last evaluated: 2018-01-13. Review status: criteria provided, single submitter. Criteria: ICSL Variant Classification Criteria 13 December 2019. Collection method: clinical testing. Allele origin: germline.
Comment: the same text as in the submission from Illumina Laboratory Services, Illumina above.

Breakthrough Genomics
Classification: Benign. Review status: criteria provided, single submitter. Criteria: ACMG Guidelines, 2015. Collection method: not provided. Allele origin: germline. Inheritance: Autosomal recessive inheritance. Affected: yes.

NM_005529.7(HSPG2):c.3360G>A (p.Ala1120=)

Gene: HSPG2 (heparan sulfate proteoglycan 2; minus strand). Cytogenetic location: 1p36.12.
Variant type: single nucleotide variant.
Coding change: c.3360G>A on transcript NM_005529.7 (MANE Select); coding-DNA position 3360, G replaced by A.
Protein change: p.Ala1120=; no amino-acid change (alanine 1120 retained).
Molecular consequence: synonymous variant.
Genome position (GRCh38, 1-based): chr1:21,874,945, C>T on the plus strand (G>A on the coding strand, the complement: HSPG2 is on the minus strand). VCF-style: chr1-21874945-C-T. GRCh37 (hg19) VCF-style: chr1-22201438-C-T.
Other names: c.3363G>A, p.Ala1121= (NM_001291860.2).
Identifiers: ClinVar variation 295863 (VCV000295863.19), dbSNP rs41307806, ClinGen allele CA672677.